The following is an entry in ClinVar:

ClinVar aggregate classification (germline): Uncertain significance (1 of 4 stars; one submission).

Conditions:
Very long chain acyl-CoA dehydrogenase deficiency (ACADVLD). Also called: Very Long-Chain Acyl-Coenzyme A Dehydrogenase Deficiency; VLCAD Deficiency. Identifiers: Orphanet 26793, MedGen C3887523, MONDO:0008723, OMIM 201475.

Allele frequency attached by ClinVar (database versions not stated): gnomAD 0.00001 and 0.00009; TOPMed 0.00003; gnomAD exomes 0.00010 and 0.00016; ExAC 0.00014; 1000 Genomes Project 30x 0.00062; 1000 Genomes Project 0.00080.
gnomAD v4.1: 236 of 1,610,522 alleles (0.015%); highest among the groups gnomAD compares: East Asian, 0.51%; no homozygotes.

Submission:

Wong Mito Lab, Molecular and Human Genetics, Baylor College of Medicine
Classification: Uncertain significance for Very long chain acyl-CoA dehydrogenase deficiency. Last evaluated: 2019-11-01. Review status: criteria provided, single submitter. Criteria: ACMG Guidelines, 2015. Collection method: clinical testing. Allele origin: germline.
Comment: The NM_000018.3:c.878+29G>C (NP_000009.1:p.?) [GRCH38: NC_000017.11:g.7222331G>C] variant in ACADVL gene is interpretated to be Uncertain Significance based on ACMG guidelines (PMID: 25741868). This variant has been reported. This variant dose not meet any evidence codes reported in the ACMG guidelines.

NM_000018.4(ACADVL):c.878+29G>C

Gene: ACADVL (acyl-CoA dehydrogenase very long chain; plus strand). Cytogenetic location: 17p13.1.
Variant type: single nucleotide variant.
Coding change: c.878+29G>C on transcript NM_000018.4 (MANE Select); 29 bases into the intron after coding-DNA position 878, G replaced by C.
Molecular consequence: intron variant.
Genome position (GRCh38, 1-based): chr17:7,222,331, G>C. VCF-style: chr17-7222331-G-C. GRCh37 (hg19) VCF-style: chr17-7125650-G-C.
Other names: c.947+29G>C (NM_001270447.2); c.650+29G>C (NM_001270448.2); c.812+29G>C (NM_001033859.3).
Identifiers: ClinVar variation 932818 (VCV000932818.2), dbSNP rs201502622, ClinGen allele CA8337882.